The following is an entry in ClinVar:

NM_020778.5(ALPK3):c.688G>A (p.Ala230Thr)

Gene: ALPK3 (alpha kinase 3; plus strand). Cytogenetic location: 15q25.3.
Variant type: single nucleotide variant.
Coding change: c.688G>A on transcript NM_020778.5 (MANE Select); coding-DNA position 688, G replaced by A.
Protein change: p.Ala230Thr; replaces alanine 230 with threonine.
Molecular consequence: missense variant.
Genome position (GRCh38, 1-based): chr15:84,839,967, G>A. VCF-style: chr15-84839967-G-A. GRCh37 (hg19) VCF-style: chr15-85383198-G-A.
Other names: short protein forms A230T.
Identifiers: ClinVar variation 1936450 (VCV001936450.5), dbSNP rs1471474243, ClinGen allele CA393373306.

ClinVar aggregate classification (germline): Uncertain significance (1 of 4 stars; one submission).

Allele frequency attached by ClinVar (database versions not stated): TOPMed below 0.00001.
gnomAD v4.1: 6 of 1,612,994 alleles (0.00037%); highest among the groups gnomAD compares: Non-Finnish European, 0.00051%; no homozygotes.

Submission:

Labcorp Genetics (formerly Invitae), Labcorp
Classification: Uncertain significance. Last evaluated: 2025-09-20. Review status: criteria provided, single submitter. Criteria: Invitae Variant Classification Sherloc (09022015). Collection method: clinical testing. Allele origin: germline.
Comment: This sequence change replaces alanine, which is neutral and non-polar, with threonine, which is neutral and polar, at codon 432 of the ALPK3 protein (p.Ala432Thr). This variant is not present in population databases (gnomAD no frequency). This variant has not been reported in the literature in individuals affected with ALPK3-related conditions. ClinVar contains an entry for this variant (Variation ID: 1936450). Invitae Evidence Modeling of protein sequence and biophysical properties (such as structural, functional, and spatial information, amino acid conservation, physicochemical variation, residue mobility, and thermodynamic stability) indicates that this missense variant is expected to disrupt ALPK3 protein function with a positive predictive value of 80%. In summary, the available evidence is currently insufficient to determine the role of this variant in disease. Therefore, it has been classified as a Variant of Uncertain Significance.